The following is an entry in ClinVar:

NM_153700.2(STRC):c.4883G>A (p.Cys1628Tyr)

Gene: STRC (stereocilin; minus strand). Cytogenetic location: 15q15.3.
Variant type: single nucleotide variant.
Coding change: c.4883G>A on transcript NM_153700.2 (MANE Select); coding-DNA position 4883, G replaced by A.
Protein change: p.Cys1628Tyr; replaces cysteine 1628 with tyrosine.
Molecular consequence: missense variant.
Genome position (GRCh38, 1-based): chr15:43,600,644, C>T on the plus strand (G>A on the coding strand, the complement: STRC is on the minus strand). VCF-style: chr15-43600644-C-T. GRCh37 (hg19) VCF-style: chr15-43892842-C-T.
Other names: short protein forms C1628Y.
Identifiers: ClinVar variation 4281171 (VCV004281171.7).

ClinVar aggregate classification (germline): Uncertain significance (1 of 4 stars; one submission).

gnomAD v4.1: 2 of 1,613,712 alleles (0.00012%); highest among the groups gnomAD compares: Non-Finnish European, 0.00017%; no homozygotes.

Submission:

CeGaT Center for Human Genetics Tuebingen
Classification: Uncertain significance. Last evaluated: 2025-09-01. Review status: criteria provided, single submitter. Criteria: CeGaT Center For Human Genetics Tuebingen Variant Classification Criteria Version 2. Collection method: clinical testing. Allele origin: germline. Affected: yes. Observed: 1 variant allele.
Comment: STRC: PM2, PM3, PM5:Supporting